The following is an entry in ClinVar:

ClinVar aggregate classification (germline): Uncertain significance. Review status: criteria provided, multiple submitters, no conflicts (2 of 4 stars). 2 submissions from 2 submitters: Uncertain significance (2). Last evaluated 2025-04-20.

Conditions:
Inborn genetic diseases. Identifiers: MedGen C0950123, MeSH D030342.

Allele frequency attached by ClinVar (database versions not stated): TOPMed below 0.00001; gnomAD 0.00001; gnomAD exomes 0.00001.
gnomAD v4.1: 9 of 1,613,786 alleles (0.00056%); highest among the groups gnomAD compares: Admixed American, 0.01%; no homozygotes.

Submissions (2):

Ambry Genetics
Classification: Uncertain significance for Inborn genetic diseases. Last evaluated: 2025-04-20. Review status: criteria provided, single submitter. Criteria: Ambry Variant Classification Scheme 2023. Collection method: clinical testing. Allele origin: germline.

Labcorp Genetics (formerly Invitae), Labcorp
Classification: Uncertain significance. Last evaluated: 2022-11-08. Review status: criteria provided, single submitter. Criteria: Invitae Variant Classification Sherloc (09022015). Collection method: clinical testing. Allele origin: germline.
Comment: In summary, the available evidence is currently insufficient to determine the role of this variant in disease. Therefore, it has been classified as a Variant of Uncertain Significance. Algorithms developed to predict the effect of missense changes on protein structure and function are either unavailable or do not agree on the potential impact of this missense change (SIFT: "Tolerated"; PolyPhen-2: "Possibly Damaging"; Align-GVGD: "Class C0"). This variant has not been reported in the literature in individuals affected with GGCX-related conditions. This variant is present in population databases (no rsID available, gnomAD 0.01%). This sequence change replaces glycine, which is neutral and non-polar, with serine, which is neutral and polar, at codon 258 of the GGCX protein (p.Gly258Ser).

NM_000821.7(GGCX):c.772G>A (p.Gly258Ser)

Gene: GGCX (gamma-glutamyl carboxylase; minus strand). Cytogenetic location: 2p11.2.
Variant type: single nucleotide variant.
Coding change: c.772G>A on transcript NM_000821.7 (MANE Select); coding-DNA position 772, G replaced by A.
Protein change: p.Gly258Ser; replaces glycine 258 with serine.
Molecular consequence: missense variant.
Genome position (GRCh38, 1-based): chr2:85,554,260, C>T on the plus strand (G>A on the coding strand, the complement: GGCX is on the minus strand). VCF-style: chr2-85554260-C-T. GRCh37 (hg19) VCF-style: chr2-85781383-C-T.
Other names: c.601G>A, p.Gly201Ser (NM_001142269.4); c.772G>A (NM_000821.5); short protein forms G201S, G258S.
Identifiers: ClinVar variation 2417468 (VCV002417468.5), dbSNP rs1331313686, ClinGen allele CA347489268.